The following is an entry in ClinVar:

NM_002661.5(PLCG2):c.207A>C (p.Glu69Asp)

Gene: PLCG2 (phospholipase C gamma 2; plus strand). Cytogenetic location: 16q23.3.
Variant type: single nucleotide variant.
Coding change: c.207A>C on transcript NM_002661.5 (MANE Select); coding-DNA position 207, A replaced by C.
Protein change: p.Glu69Asp; replaces glutamic acid 69 with aspartic acid.
Molecular consequence: missense variant.
Genome position (GRCh38, 1-based): chr16:81,854,457, A>C. VCF-style: chr16-81854457-A-C. GRCh37 (hg19) VCF-style: chr16-81888062-A-C.
Other names: short protein forms E69D.
Identifiers: ClinVar variation 1463822 (VCV001463822.8), dbSNP rs534845546, ClinGen allele CA8193099.

ClinVar aggregate classification (germline): Uncertain significance (1 of 4 stars; one submission).

Conditions:
Familial cold autoinflammatory syndrome 3 (FCAS3). Also called: ANTIBODY DEFICIENCY AND IMMUNE DYSREGULATION, PLCG2-ASSOCIATED; FAMILIAL ATYPICAL COLD URTICARIA. Identifiers: Orphanet 300359, MedGen C3280914, MONDO:0013766, OMIM 614468.

Allele frequency attached by ClinVar (database versions not stated): ExAC 0.00001; gnomAD exomes 0.00001; gnomAD 0.00002; 1000 Genomes Project 30x 0.00016; 1000 Genomes Project 0.00020.
gnomAD v4.1: 24 of 1,614,088 alleles (0.0015%); highest among the groups gnomAD compares: South Asian, 0.025%; no homozygotes.

Submission:

Labcorp Genetics (formerly Invitae), Labcorp
Classification: Uncertain significance for Familial cold autoinflammatory syndrome 3. Last evaluated: 2022-12-06. Review status: criteria provided, single submitter. Criteria: Invitae Variant Classification Sherloc (09022015). Collection method: clinical testing. Allele origin: germline.
Comment: This variant is present in population databases (rs534845546, gnomAD 0.006%). This sequence change replaces glutamic acid, which is acidic and polar, with aspartic acid, which is acidic and polar, at codon 69 of the PLCG2 protein (p.Glu69Asp). In summary, the available evidence is currently insufficient to determine the role of this variant in disease. Therefore, it has been classified as a Variant of Uncertain Significance. Algorithms developed to predict the effect of missense changes on protein structure and function output the following: SIFT: "Tolerated"; PolyPhen-2: "Benign"; Align-GVGD: "Class C0". The aspartic acid amino acid residue is found in multiple mammalian species, which suggests that this missense change does not adversely affect protein function. ClinVar contains an entry for this variant (Variation ID: 1463822). This variant has not been reported in the literature in individuals affected with PLCG2-related conditions.